The following is an entry in ClinVar:

ClinVar aggregate classification (germline): Pathogenic/Likely pathogenic. Review status: criteria provided, multiple submitters, no conflicts (2 of 4 stars). 6 submissions from 6 submitters: Pathogenic (5); Likely pathogenic (1). Last evaluated 2025-05-26.

Conditions:
Bronchiectasis with or without elevated sweat chloride 1 (BESC1). Also called: Cystic Fibrosis-Like Syndrome. Identifiers: Orphanet 60033, MedGen C2749757, MONDO:0008887, OMIM 211400.
CFTR-related disorder (CFTR-RD). Also called: CFTR-related condition; CFTR-related disorders. Identifiers: MedGen C5924204, MONDO:7770004.
Cystic fibrosis (CF). Also called: MUCOVISCIDOSIS. Identifiers: Orphanet 586, MedGen C0010674, MONDO:0009061, OMIM 219700. Disease mechanism: loss of function.

Submissions (6):

Natera, Inc.
Classification: Likely pathogenic for CFTR-related disorders. Last evaluated: 2025-05-26. Review status: criteria provided, single submitter. Criteria: Natera Variant Classification Schema (03/2026). Collection method: clinical testing. Allele origin: germline.
Comment: The c.708delT variant in CFTR is a frameshift variant predicted to shift the reading frame beginning at codon 237 and leads to a stop codon 4 codons downstream. This variant is expected to result in nonsense mediated decay, truncation, or a dysfunctional protein product. This variant is rare in the general population with a frequency below the threshold expected for the associated phenotype(s). Given the available evidence, this variant is classified as Likely Pathogenic.

Ambry Genetics
Classification: Pathogenic for Cystic fibrosis. Last evaluated: 2024-04-04. Review status: criteria provided, single submitter. Criteria: Ambry Variant Classification Scheme 2023. Collection method: clinical testing. Allele origin: germline.
Comment: The c.708delT pathogenic mutation, located in coding exon 6 of the CFTR gene, results from a deletion of one nucleotide at nucleotide position 708, causing a translational frameshift with a predicted alternate stop codon (p.Q237Rfs*4). This alteration is expected to result in loss of function by premature protein truncation or nonsense-mediated mRNA decay. As such, this alteration is interpreted as a disease-causing mutation.

Baylor Genetics
Classification: Pathogenic for Bronchiectasis with or without elevated sweat chloride 1. Last evaluated: 2023-12-19. Review status: criteria provided, single submitter. Criteria: ACMG Guidelines, 2015. Collection method: clinical testing. Allele origin: unknown.

Institute of Human Genetics, University of Leipzig Medical Center
Classification: Pathogenic for Cystic fibrosis. Last evaluated: 2022-09-05. Review status: criteria provided, single submitter. Criteria: ACMG Guidelines, 2015. Collection method: curation. Allele origin: unknown. Affected: yes. Observed: 2 variant alleles.
Comment: This variant was identified in 2 unrelated patients with a clinically confirmed diagnosis of cystic fibrosis. The variant was classified in the context of a project re-classifying variants in the German Cystic Fibrosis Registry (Muko.e.V.). Criteria applied: PVS1, PM3, PM2_SUP, PP4

Labcorp Genetics (formerly Invitae), Labcorp
Classification: Pathogenic for Cystic fibrosis. Last evaluated: 2022-06-08. Review status: criteria provided, single submitter. Criteria: Invitae Variant Classification Sherloc (09022015). Collection method: clinical testing. Allele origin: germline.
Comment: For these reasons, this variant has been classified as Pathogenic. ClinVar contains an entry for this variant (Variation ID: 811381). This variant has not been reported in the literature in individuals affected with CFTR-related conditions. This variant is not present in population databases (gnomAD no frequency). This sequence change creates a premature translational stop signal (p.Gln237Argfs*4) in the CFTR gene. It is expected to result in an absent or disrupted protein product. Loss-of-function variants in CFTR are known to be pathogenic (PMID: 1695717, 7691345, 9725922).

ARUP Laboratories, Molecular Genetics and Genomics, ARUP Laboratories
Classification: Pathogenic. Last evaluated: 2019-04-09. Review status: criteria provided, single submitter. Criteria: ARUP Molecular Germline Variant Investigation Process. Collection method: clinical testing. Allele origin: germline.
Comment: The CFTR c.708delT; p.Gln237fs variant, to our knowledge, is not reported in the medical literature but is reported as pathogenic by Emory Genetics Laboratory. This variant is absent from general population databases (Exome Variant Server, Genome Aggregation Database), indicating it is not a common polymorphism. This variant causes a frameshift by deleting a single nucleotide, so it is predicted to result in a truncated protein or mRNA subject to nonsense-mediated decay. CFTR loss-of-function is an established mechanism of disease, and truncating variants downstream of c.708delT are reported in individuals with cystic fibrosis and are considered pathogenic (Schrijver 2005, CFTR2 database). Based on available information, the c.708delT variant is considered to be pathogenic. References: CFTR2 database: Schrijver I et al. Diagnostic testing by CFTR gene mutation analysis in a large group of Hispanics: novel mutations and assessment of a population-specific mutation spectrum. J Mol Diagn. 2005 May;7(2):289-99.

Literature cited by the submitters: PubMed 1695717 (cited by Labcorp Genetics (formerly Invitae), Labcorp); PubMed 7691345 (cited by Labcorp Genetics (formerly Invitae), Labcorp); PubMed 9725922 (cited by Labcorp Genetics (formerly Invitae), Labcorp).

NM_000492.4(CFTR):c.708del (p.Gln237fs)

Gene: CFTR (CF transmembrane conductance regulator; plus strand). Cytogenetic location: 7q31.2.
Variant type: Deletion.
Coding change: c.708del on transcript NM_000492.4 (MANE Select); coding-DNA position 708, one base deleted (T; older notation c.708delT).
Protein change: p.Gln237fs; shifts the reading frame from glutamine 237.
Molecular consequence: frameshift variant.
Genome position (GRCh38, 1-based): chr7:117,535,376, T deleted; the last of 5 consecutive T bases (chr7:117,535,372-117,535,376); deleting any one gives the same sequence. VCF-style (leftmost placement, unchanged base first): chr7-117535371-CT-C. GRCh37 (hg19) VCF-style: chr7-117175425-CT-C.
Other names: c.708delT (NM_000492.3); short protein forms Q237fs.
Identifiers: ClinVar variation 811381 (VCV000811381.16), dbSNP rs1299250440, ClinGen allele CA457227237.
Genomic context (GRCh38, chr7:117,535,371, plus strand): 5'-ATCTGGGAGTTGTTACAGGCGTCTGCCTTCTGTGGACTTGGTTTCCTGATAGTCCTTGCC[CT>C]TTTTCAGGCTGGGCTAGGGAGAATGATGATGAAGTACAGGTAGCAACCTATTTTCATAAC-3'